The following is an entry in ClinVar:

NM_000601.6(HGF):c.1616+1G>A

Gene: HGF (hepatocyte growth factor; minus strand). Cytogenetic location: 7q21.11.
Variant type: single nucleotide variant.
Coding change: c.1616+1G>A on transcript NM_000601.6 (MANE Select); the canonical splice donor site of the intron after coding-DNA position 1616, G replaced by A.
Molecular consequence: splice donor variant.
Genome position (GRCh38, 1-based): chr7:81,707,289, C>T on the plus strand (G>A on the coding strand, the complement: HGF is on the minus strand). VCF-style: chr7-81707289-C-T. GRCh37 (hg19) VCF-style: chr7-81336605-C-T.
Other names: c.1601+1G>A (NM_001010932.3).
Identifiers: ClinVar variation 4773543 (VCV004773543.1).

ClinVar aggregate classification (germline): Likely pathogenic (1 of 4 stars; one submission).

Submission:

Labcorp Genetics (formerly Invitae), Labcorp
Classification: Likely pathogenic. Last evaluated: 2025-03-07. Review status: criteria provided, single submitter. Criteria: Invitae Variant Classification Sherloc (09022015). Collection method: clinical testing. Allele origin: germline.
Comment: This sequence change affects a donor splice site in intron 14 of the HGF gene. It is expected to disrupt RNA splicing. Variants that disrupt the donor or acceptor splice site typically lead to a loss of protein function (PMID: 16199547), and loss-of-function variants in HGF are known to be pathogenic (PMID: 38676400, 38791500). This variant is not present in population databases (gnomAD no frequency). This variant has not been reported in the literature in individuals affected with HGF-related conditions. Algorithms developed to predict the effect of sequence changes on RNA splicing suggest that this variant may disrupt the consensus splice site. In summary, the currently available evidence indicates that the variant is pathogenic, but additional data are needed to prove that conclusively. Therefore, this variant has been classified as Likely Pathogenic.

Literature cited by the submitters: PubMed 16199547; PubMed 38676400; PubMed 38791500.